The following is an entry in ClinVar:

NM_000229.2(LCAT):c.680T>C (p.Ile227Thr)

Gene: LCAT (lecithin-cholesterol acyltransferase; minus strand). Cytogenetic location: 16q22.1.
Variant type: single nucleotide variant.
Coding change: c.680T>C on transcript NM_000229.2 (MANE Select); coding-DNA position 680, T replaced by C.
Protein change: p.Ile227Thr; replaces isoleucine 227 with threonine.
Molecular consequence: missense variant.
Genome position (GRCh38, 1-based): chr16:67,942,431, A>G on the plus strand (T>C on the coding strand, the complement: LCAT is on the minus strand). VCF-style: chr16-67942431-A-G. GRCh37 (hg19) VCF-style: chr16-67976334-A-G.
Other names: short protein forms I227T.
Identifiers: ClinVar variation 4827321 (VCV004827321.1).

ClinVar aggregate classification (germline): Uncertain significance (1 of 4 stars; one submission).

Conditions:
Cardiovascular phenotype. Identifiers: MedGen CN230736.

Submission:

Ambry Genetics
Classification: Uncertain significance for Cardiovascular phenotype. Last evaluated: 2026-03-01. Review status: criteria provided, single submitter. Criteria: Ambry Variant Classification Scheme 2023. Collection method: clinical testing. Allele origin: germline.
Comment: The p.I227T variant (also known as c.680T>C), located in coding exon 5 of the LCAT gene, results from a T to C substitution at nucleotide position 680. The isoleucine at codon 227 is replaced by threonine, an amino acid with similar properties. This amino acid position is conserved. In addition, this alteration is predicted to be deleterious by in silico analysis. Based on the available evidence, the clinical significance of this variant remains unclear.